The following is an entry in ClinVar:

NM_006790.3(MYOT):c.653C>T (p.Ala218Val)

Genes: MYOT (myotilin; plus strand), PKD2L2-DT (PKD2L2 divergent transcript; minus strand). Cytogenetic location: 5q31.2.
Variant type: single nucleotide variant.
Coding change: c.653C>T on transcript NM_006790.3 (MANE Select); coding-DNA position 653, C replaced by T.
Protein change: p.Ala218Val; replaces alanine 218 with valine.
Molecular consequence: missense variant.
Genome position (GRCh38, 1-based): chr5:137,880,835, C>T. VCF-style: chr5-137880835-C-T. GRCh37 (hg19) VCF-style: chr5-137216524-C-T.
Other names: c.101C>T, p.Ala34Val (NM_001135940.2); c.308C>T, p.Ala103Val (NM_001300911.2); short protein forms A34V, A103V, A218V.
Identifiers: ClinVar variation 2867614 (VCV002867614.4), dbSNP rs533510304, ClinGen allele CA3422996.

ClinVar aggregate classification (germline): Uncertain significance. Review status: criteria provided, multiple submitters, no conflicts (2 of 4 stars). 2 submissions from 2 submitters: Uncertain significance (2). Last evaluated 2025-03-05.

Conditions:
Myofibrillar myopathy 3 (MFM3). Also called: Muscular dystrophy, proximal, type 1A; Autosomal dominant spheroid body myopathy. Identifiers: Orphanet 266, Orphanet 268129, MedGen C3714934, MONDO:0012215, OMIM 609200.

Allele frequency attached by ClinVar (database versions not stated): 1000 Genomes Project 30x 0.00031; 1000 Genomes Project 0.00040.
gnomAD v4.1: 14 of 1,611,928 alleles (0.00087%); highest among the groups gnomAD compares: African/African-American, 0.011%; no homozygotes.

Submissions (2):

Revvity Omics, Revvity
Classification: Uncertain significance for Myofibrillar myopathy 3. Last evaluated: 2025-03-05. Review status: criteria provided, single submitter. Criteria: ACMG Guidelines, 2015. Collection method: clinical testing. Allele origin: germline.

Labcorp Genetics (formerly Invitae), Labcorp
Classification: Uncertain significance for Myofibrillar myopathy 3. Last evaluated: 2023-08-23. Review status: criteria provided, single submitter. Criteria: Invitae Variant Classification Sherloc (09022015). Collection method: clinical testing. Allele origin: germline.
Comment: In summary, the available evidence is currently insufficient to determine the role of this variant in disease. Therefore, it has been classified as a Variant of Uncertain Significance. Advanced modeling of protein sequence and biophysical properties (such as structural, functional, and spatial information, amino acid conservation, physicochemical variation, residue mobility, and thermodynamic stability) performed at Invitae indicates that this missense variant is not expected to disrupt MYOT protein function. This variant has not been reported in the literature in individuals affected with MYOT-related conditions. This variant is present in population databases (rs533510304, gnomAD 0.02%). This sequence change replaces alanine, which is neutral and non-polar, with valine, which is neutral and non-polar, at codon 218 of the MYOT protein (p.Ala218Val).